The following is an entry in ClinVar:

ClinVar aggregate classification (germline): Uncertain significance (1 of 4 stars; one submission).

Conditions:
Cystic fibrosis (CF). Also called: MUCOVISCIDOSIS. Identifiers: Orphanet 586, MedGen C0010674, MONDO:0009061, OMIM 219700. Disease mechanism: loss of function.

Allele frequency attached by ClinVar (database versions not stated): gnomAD 0.00001.
gnomAD v4.1: 1 of 1,540,358 alleles (0.000065%); highest among the groups gnomAD compares: East Asian, 0.0023%; no homozygotes.

Submission:

Ambry Genetics
Classification: Uncertain significance for Cystic fibrosis. Last evaluated: 2022-06-13. Review status: criteria provided, single submitter. Criteria: Ambry Variant Classification Scheme 2023. Collection method: clinical testing. Allele origin: germline.
Comment: The p.S821N variant (also known as c.2462G>A), located in coding exon 14 of the CFTR gene, results from a G to A substitution at nucleotide position 2462. The serine at codon 821 is replaced by asparagine, an amino acid with highly similar properties. This amino acid position is not well conserved in available vertebrate species. In addition, the in silico prediction for this alteration is inconclusive. Since supporting evidence is limited at this time, the clinical significance of this alteration remains unclear.

NM_000492.4(CFTR):c.2462G>A (p.Ser821Asn)

Gene: CFTR (CF transmembrane conductance regulator; plus strand). Cytogenetic location: 7q31.2.
Variant type: single nucleotide variant.
Coding change: c.2462G>A on transcript NM_000492.4 (MANE Select); coding-DNA position 2462, G replaced by A.
Protein change: p.Ser821Asn; replaces serine 821 with asparagine.
Molecular consequence: missense variant.
Genome position (GRCh38, 1-based): chr7:117,592,629, G>A. VCF-style: chr7-117592629-G-A. GRCh37 (hg19) VCF-style: chr7-117232683-G-A.
Other names: short protein forms S821N.
Identifiers: ClinVar variation 1791652 (VCV001791652.2), dbSNP rs1435555122, ClinGen allele CA368981462.